The following is an entry in ClinVar:

NM_000038.6(APC):c.4514G>C (p.Ser1505Thr)

Gene: APC (APC regulator of Wnt signaling pathway; plus strand). Cytogenetic location: 5q22.2.
Variant type: single nucleotide variant.
Coding change: c.4514G>C on transcript NM_000038.6 (MANE Select); coding-DNA position 4514, G replaced by C.
Protein change: p.Ser1505Thr; replaces serine 1505 with threonine.
Molecular consequence: missense variant. On other transcripts: non-coding transcript variant (2).
Genome position (GRCh38, 1-based): chr5:112,840,108, G>C. VCF-style: chr5-112840108-G-C. GRCh37 (hg19) VCF-style: chr5-112175805-G-C.
Other names: c.4514G>C, p.Ser1505Thr (NM_001127510.3, NM_001354895.2, NM_001407450.1); c.4460G>C, p.Ser1487Thr (NM_001127511.3); c.4568G>C, p.Ser1523Thr (NM_001354896.2, NM_001407447.1, NM_001407448.1 and 1 more transcripts); c.4544G>C, p.Ser1515Thr (NM_001354897.2); c.4439G>C, p.Ser1480Thr (NM_001354898.2); c.4430G>C, p.Ser1477Thr (NM_001354899.2); c.4391G>C, p.Ser1464Thr (NM_001354900.2); c.4337G>C, p.Ser1446Thr (NM_001354901.2, NM_001407453.1); and 11 more; short protein forms S1121T, S1222T, S1345T, S1376T, S1379T, S1404T, S1414T, S1422T.
Identifiers: ClinVar variation 3075393 (VCV003075393.2), dbSNP rs1489528719, ClinGen allele CA16031209.
Genomic context (GRCh38, chr5:112,840,108, plus strand): 5'-CTGATACTTTATTACATTTTGCCACGGAAAGTACTCCAGATGGATTTTCTTGTTCATCCA[G>C]CCTGAGTGCTCTGAGCCTCGATGAGCCATTTATACAGAAAGATGTGGAATTAAGAATAAT-3'
Protein context (NP_000029.2, residues 1495-1515): STPDGFSCSS[Ser1505Thr]LSALSLDEPF

ClinVar aggregate classification (germline): Uncertain significance. Review status: criteria provided, multiple submitters, no conflicts (2 of 4 stars). 2 submissions from 2 submitters: Uncertain significance (2). Last evaluated 2024-02-05.

Conditions:
Hereditary cancer-predisposing syndrome. Also called: Neoplastic Syndromes, Hereditary; Tumor predisposition; Hereditary neoplastic syndrome; Hereditary Cancer Syndrome. Identifiers: Orphanet 140162, MedGen C0027672, MeSH D009386, MONDO:0015356.
Classic or attenuated familial adenomatous polyposis. Identifiers: MedGen CN372698, MONDO:0021057.

Submissions (2):

All of Us Research Program, National Institutes of Health
Classification: Uncertain significance for Classic or attenuated familial adenomatous polyposis. Last evaluated: 2024-02-05. Review status: criteria provided, single submitter. Criteria: ACMG Guidelines, 2015. Collection method: clinical testing. Allele origin: germline. Inheritance: Autosomal dominant inheritance. Observed: 1 variant allele, 1 heterozygote.
Comment: This missense variant replaces serine with threonine at codon 1505 of the APC protein. Computational prediction suggests that this variant may have deleterious impact on protein structure and function (internally defined REVEL score threshold >= 0.7, PMID: 27666373). To our knowledge, functional studies have not been reported for this variant. This variant has not been reported in individuals affected with APC-related disorders in the literature. This variant has not been identified in the general population by the Genome Aggregation Database (gnomAD). The available evidence is insufficient to determine the role of this variant in disease conclusively. Therefore, this variant is classified as a Variant of Uncertain Significance.

This study involves interpretation of variants in research participants for the purpose of population health screening. Participant phenotype was not available at the time of variant classification. Additional details can be found in publication PMID: 35346344, PMCID: PMC8962531

Color Diagnostics, LLC DBA Color Health
Classification: Uncertain significance for Hereditary cancer-predisposing syndrome. Last evaluated: 2023-11-24. Review status: criteria provided, single submitter. Criteria: ACMG Guidelines, 2015. Collection method: clinical testing. Allele origin: germline.
Comment: This missense variant replaces serine with threonine at codon 1505 of the APC protein. Computational prediction suggests that this variant may have deleterious impact on protein structure and function (internally defined REVEL score threshold >= 0.7, PMID: 27666373). To our knowledge, functional studies have not been reported for this variant. This variant has not been reported in individuals affected with APC-related disorders in the literature. This variant has not been identified in the general population by the Genome Aggregation Database (gnomAD). The available evidence is insufficient to determine the role of this variant in disease conclusively. Therefore, this variant is classified as a Variant of Uncertain Significance.